The following is an entry in ClinVar:

ClinVar aggregate classification (germline): Uncertain significance (1 of 4 stars; one submission).

Conditions:
Hereditary diffuse gastric adenocarcinoma (HDGC). Also called: DIFFUSE GASTRIC AND LOBULAR BREAST CANCER SYNDROME. Identifiers: Orphanet 26106, MedGen C1708349, MONDO:0007648, OMIM 137215.

Submission:

Labcorp Genetics (formerly Invitae), Labcorp
Classification: Uncertain significance for Hereditary diffuse gastric adenocarcinoma. Last evaluated: 2023-02-03. Review status: criteria provided, single submitter. Criteria: Invitae Variant Classification Sherloc (09022015). Collection method: clinical testing. Allele origin: germline.
Comment: Algorithms developed to predict the effect of missense changes on protein structure and function (SIFT, PolyPhen-2, Align-GVGD) all suggest that this variant is likely to be tolerated. In summary, the available evidence is currently insufficient to determine the role of this variant in disease. Therefore, it has been classified as a Variant of Uncertain Significance. This sequence change replaces histidine, which is basic and polar, with glutamine, which is neutral and polar, at codon 632 of the CDH1 protein (p.His632Gln). This variant is not present in population databases (gnomAD no frequency). This variant has not been reported in the literature in individuals affected with CDH1-related conditions. ClinVar contains an entry for this variant (Variation ID: 578336).

NM_004360.5(CDH1):c.1896C>G (p.His632Gln)

Gene: CDH1 (cadherin 1; plus strand). Cytogenetic location: 16q22.1.
Variant type: single nucleotide variant.
Coding change: c.1896C>G on transcript NM_004360.5 (MANE Select); coding-DNA position 1896, C replaced by G.
Protein change: p.His632Gln; replaces histidine 632 with glutamine.
Molecular consequence: missense variant. On other transcripts: 5 prime UTR variant (1).
Genome position (GRCh38, 1-based): chr16:68,822,185, C>G. VCF-style: chr16-68822185-C-G. GRCh37 (hg19) VCF-style: chr16-68856088-C-G.
Other names: c.1713C>G, p.His571Gln (NM_001317184.2); c.348C>G, p.His116Gln (NM_001317185.2); c.-70C>G (NM_001317186.2); c.1896C>G (LRG_301t1); short protein forms H632Q, H571Q, H116Q.
Identifiers: ClinVar variation 578336 (VCV000578336.9), dbSNP rs33969373, ClinGen allele CA396467168.